The following is an entry in ClinVar:

NM_130384.3(ATRIP):c.1458G>A (p.Val486=)

Genes: ATRIP (ATR interacting protein; plus strand), ATRIP-TREX1 (ATRIP-TREX1 readthrough; plus strand). Cytogenetic location: 3p21.31.
Variant type: single nucleotide variant.
Coding change: c.1458G>A on transcript NM_130384.3 (MANE Select); coding-DNA position 1458, G replaced by A.
Protein change: p.Val486=; no amino-acid change (valine 486 retained).
Molecular consequence: synonymous variant. On other transcripts: non-coding transcript variant (1).
Genome position (GRCh38, 1-based): chr3:48,460,512, G>A. VCF-style: chr3-48460512-G-A. GRCh37 (hg19) VCF-style: chr3-48501911-G-A.
Other names: c.1077G>A, p.Val359= (NM_001271022.2); c.1179G>A, p.Val393= (NM_001271023.2); c.1458G>A, p.Val486= (NM_032166.4).
Identifiers: ClinVar variation 4842160 (VCV004842160.1).

ClinVar aggregate classification (germline): Uncertain significance (1 of 4 stars; one submission).

gnomAD v4.1: 9 of 1,613,398 alleles (0.00056%); highest among the groups gnomAD compares: South Asian, 0.0033%; no homozygotes.

Submission:

Ambry Genetics
Classification: Uncertain significance. Last evaluated: 2026-02-16. Review status: criteria provided, single submitter. Criteria: Ambry Variant Classification Scheme 2023. Collection method: clinical testing. Allele origin: germline.
Comment: The c.1458G>A variant (also known as p.V486V), located in coding exon 8 of the ATRIP gene, results from a G to A substitution at nucleotide position 1458. This nucleotide substitution does not change the amino acid at codon 486. This nucleotide position is not well conserved in available vertebrate species. In silico splice site analysis predicts that this alteration will result in the creation or strengthening of a novel splice donor site. The evidence for this gene-disease relationship is limited; therefore, the clinical significance of this variant is unclear.